The following is an entry in ClinVar:

NM_001042750.2(STAG2):c.2197G>A (p.Ala733Thr)

Gene: STAG2 (STAG2 cohesin complex component; plus strand). Cytogenetic location: Xq25.
Variant type: single nucleotide variant.
Coding change: c.2197G>A on transcript NM_001042750.2 (MANE Select); coding-DNA position 2197, G replaced by A.
Protein change: p.Ala733Thr; replaces alanine 733 with threonine.
Molecular consequence: missense variant.
Genome position (GRCh38, 1-based): chrX:124,066,368, G>A. VCF-style: chrX-124066368-G-A. GRCh37 (hg19) VCF-style: chrX-123200218-G-A.
Other names: c.2197G>A, p.Ala733Thr (NM_001042749.2, NM_001042751.2, NM_001282418.2 and 13 more transcripts); short protein forms A733T.
Identifiers: ClinVar variation 1437238 (VCV001437238.6), dbSNP rs764726360, ClinGen allele CA10508974.

ClinVar aggregate classification (germline): Uncertain significance (1 of 4 stars; one submission).

Allele frequency attached by ClinVar (database versions not stated): gnomAD 0.00001; gnomAD exomes 0.00001; TOPMed 0.00001; ExAC 0.00002.

Submission:

Labcorp Genetics (formerly Invitae), Labcorp
Classification: Uncertain significance. Last evaluated: 2024-04-10. Review status: criteria provided, single submitter. Criteria: Invitae Variant Classification Sherloc (09022015). Collection method: clinical testing. Allele origin: germline.
Comment: This sequence change replaces alanine, which is neutral and non-polar, with threonine, which is neutral and polar, at codon 733 of the STAG2 protein (p.Ala733Thr). This variant is present in population databases (rs764726360, gnomAD 0.003%). This variant has not been reported in the literature in individuals affected with STAG2-related conditions. ClinVar contains an entry for this variant (Variation ID: 1437238). Advanced modeling of protein sequence and biophysical properties (such as structural, functional, and spatial information, amino acid conservation, physicochemical variation, residue mobility, and thermodynamic stability) performed at Invitae indicates that this missense variant is not expected to disrupt STAG2 protein function with a negative predictive value of 80%. In summary, the available evidence is currently insufficient to determine the role of this variant in disease. Therefore, it has been classified as a Variant of Uncertain Significance.